The following is an entry in ClinVar:

ClinVar aggregate classification (germline): Benign. Review status: reviewed by expert panel (3 of 4 stars). 2 submissions from 2 submitters: Benign (1). 1 of the submissions does not count toward it. Last evaluated 2015-01-12.

Conditions:
Breast-ovarian cancer, familial, susceptibility to, 1 (BROVCA1). Also called: BRCA1 Hereditary Breast and Ovarian Cancer; OVARIAN CANCER, SUSCEPTIBILITY TO. Identifiers: Orphanet 145, MedGen C2676676, MONDO:0011450, OMIM 604370. Disease mechanism: loss of function.

Allele frequency attached by ClinVar (database versions not stated): TOPMed 0.30201; gnomAD 0.30747 and 0.31512; 1000 Genomes Project 30x 0.34713; 1000 Genomes Project 0.35304.
gnomAD v4.1: 47,842 of 151,758 alleles (32%); highest among the groups gnomAD compares: South Asian, 49%; 7,827 homozygotes.

Submissions (2):

Evidence-based Network for the Interpretation of Germline Mutant Alleles (ENIGMA)
Classification: Benign for Breast-ovarian cancer, familial 1. Last evaluated: 2015-01-12. Review status: reviewed by expert panel. Criteria: ENIGMA BRCA1/2 Classification Criteria (2015). Collection method: curation. Allele origin: germline.
Comment: Class 1 not pathogenic based on frequency >1% in an outbred sampleset. Frequency 0.3304 (Asian), 0.2154 (African), 0.3602 (European), derived from 1000 genomes (2012-04-30).

Breakthrough Genomics
Classification: Benign. Review status: criteria provided, single submitter. Criteria: ACMG Guidelines, 2015. Collection method: not provided. Allele origin: germline. Inheritance: Autosomal recessive inheritance. Affected: yes. Not counted in ClinVar's aggregate classification.

NM_007294.4(BRCA1):c.81-410T>G

Gene: BRCA1 (BRCA1 DNA repair associated; minus strand). Cytogenetic location: 17q21.31.
Variant type: single nucleotide variant.
Coding change: c.81-410T>G on transcript NM_007294.4 (MANE Select); 410 bases into the intron before coding-DNA position 81, T replaced by G.
Molecular consequence: intron variant.
Genome position (GRCh38, 1-based): chr17:43,116,189, A>C on the plus strand (T>G on the coding strand, the complement: BRCA1 is on the minus strand). VCF-style: chr17-43116189-A-C. GRCh37 (hg19) VCF-style: chr17-41268206-A-C.
Other names: IVS 2-410T>G; c.-61-410T>G (NM_001408458.1, NM_001408470.1, NM_001407848.1 and 47 more transcripts); c.-219+9088T>G (NM_001407967.1); c.-170+9088T>G (NM_001407959.1); c.-8+9088T>G (NM_001407931.1, NM_001407747.1); c.-223-410T>G (NM_001407962.1, NM_001408512.1, NM_001408510.1 and 1 more transcripts); c.-108-410T>G (NM_001407885.1, NM_001407886.1, NM_001408509.1 and 52 more transcripts); c.-177-410T>G (NM_001407746.1, NM_001408468.1, NM_001407842.1 and 13 more transcripts); and 12 more.
Identifiers: ClinVar variation 209537 (VCV000209537.3), dbSNP rs8176098, ClinGen allele CA276506.